The following is an entry in ClinVar:

ClinVar aggregate classification (germline): Uncertain significance. Review status: criteria provided, multiple submitters, no conflicts (2 of 4 stars). 5 submissions from 5 submitters: Uncertain significance (5). Last evaluated 2026-02-16.

Conditions:
PCNT-related disorder. Also called: PCNT-related condition.
Microcephalic osteodysplastic primordial dwarfism type II (MOPD2). Also called: Microcephalic osteodysplastic primordial dwarfism with tooth abnormalities; MOPD II; OSTEODYSPLASTIC PRIMORDIAL DWARFISM, TYPE II. Identifiers: Orphanet 2637, MedGen C0432246, MONDO:0008872, OMIM 210720.

Allele frequency attached by ClinVar (database versions not stated): gnomAD 0.00016; TOPMed 0.00023; gnomAD exomes 0.00028.
gnomAD v4.1: 440 of 1,598,784 alleles (0.028%); highest among the groups gnomAD compares: Admixed American, 0.057%; no homozygotes.

Submissions (5):

PreventionGenetics, part of Exact Sciences
Classification: Uncertain significance for PCNT-related condition. Last evaluated: 2026-02-16. Review status: criteria provided, single submitter. Criteria: ACMG Guidelines, 2015. Collection method: clinical testing. Allele origin: germline.
Comment: The PCNT c.427C>T variant is predicted to result in the amino acid substitution p.Arg143Cys. To our knowledge, this variant has not been reported in the literature. This variant is reported in 0.076% of alleles in individuals of Latino descent in gnomAD, which may be too frequent to be a primary cause of disease. Although we suspect that this variant may be benign, at this time, the clinical significance of this variant is uncertain due to the absence of conclusive functional and genetic evidence.

Blueprint Genetics
Classification: Uncertain significance. Last evaluated: 2024-11-26. Review status: criteria provided, single submitter. Criteria: ACMG Guidelines, 2015. Collection method: clinical testing. Allele origin: germline.

Labcorp Genetics (formerly Invitae), Labcorp
Classification: Uncertain significance. Last evaluated: 2022-08-31. Review status: criteria provided, single submitter. Criteria: Invitae Variant Classification Sherloc (09022015). Collection method: clinical testing. Allele origin: germline.
Comment: This sequence change replaces arginine, which is basic and polar, with cysteine, which is neutral and slightly polar, at codon 143 of the PCNT protein (p.Arg143Cys). This variant is present in population databases (rs201176638, gnomAD 0.06%). This variant has not been reported in the literature in individuals affected with PCNT-related conditions. ClinVar contains an entry for this variant (Variation ID: 159598). Algorithms developed to predict the effect of missense changes on protein structure and function (SIFT, PolyPhen-2, Align-GVGD) all suggest that this variant is likely to be tolerated. In summary, the available evidence is currently insufficient to determine the role of this variant in disease. Therefore, it has been classified as a Variant of Uncertain Significance.

Fulgent Genetics
Classification: Uncertain significance for Microcephalic osteodysplastic primordial dwarfism type II. Last evaluated: 2018-10-31. Review status: criteria provided, single submitter. Criteria: ACMG Guidelines, 2015. Collection method: clinical testing. Allele origin: unknown.

Genetic Services Laboratory, University of Chicago
Classification: Uncertain significance for Microcephalic osteodysplastic primordial dwarfism, type II. Last evaluated: 2014-07-16. Review status: criteria provided, single submitter. Criteria: ACMG Guidelines, 2015. Collection method: clinical testing. Allele origin: germline. Inheritance: Autosomal recessive inheritance.

NM_006031.6(PCNT):c.427C>T (p.Arg143Cys)

Gene: PCNT (pericentrin; plus strand). Cytogenetic location: 21q22.3.
Variant type: single nucleotide variant.
Coding change: c.427C>T on transcript NM_006031.6 (MANE Select); coding-DNA position 427, C replaced by T.
Protein change: p.Arg143Cys; replaces arginine 143 with cysteine.
Molecular consequence: missense variant.
Genome position (GRCh38, 1-based): chr21:46,334,556, C>T. VCF-style: chr21-46334556-C-T. GRCh37 (hg19) VCF-style: chr21-47754470-C-T.
Other names: c.73C>T, p.Arg25Cys (NM_001315529.2); short protein forms R143C, R25C.
Identifiers: ClinVar variation 159598 (VCV000159598.14), dbSNP rs201176638, ClinGen allele CA251064.
Genomic context (GRCh38, chr21:46,334,556, plus strand): 5'-AGTGACCACCCACCAGAACAGCATGGGATGTTCACAGTCGGTGACCACCCACCAGAACAG[C>T]GTGGGATGTTCACAGTCAGTGACCACCCACCAGAACAGCATGGGATGTTCACAGTCAGTG-3'
Protein context (NP_006022.3, residues 133-153): FTVGDHPPEQ[Arg143Cys]GMFTVSDHPP